The following is an entry in ClinVar:

NM_000719.7(CACNA1C):c.5235C>T (p.His1745=)

Genes: CACNA1C (calcium voltage-gated channel subunit alpha1 C; plus strand), CACNA1C-AS1 (CACNA1C antisense RNA 1; minus strand). Cytogenetic location: 12p13.33.
Variant type: single nucleotide variant.
Coding change: c.5235C>T on transcript NM_000719.7 (MANE Select); coding-DNA position 5235, C replaced by T.
Protein change: p.His1745=; no amino-acid change (histidine 1745 retained).
Molecular consequence: synonymous variant.
Genome position (GRCh38, 1-based): chr12:2,679,587, C>T. VCF-style: chr12-2679587-C-T. GRCh37 (hg19) VCF-style: chr12-2788753-C-T.
Other names: p.H1745H:CAC>CAT; c.5379C>T, p.His1793= (NM_001129827.2, NM_199460.4); c.5358C>T, p.His1786= (NM_001129829.2); c.5235C>T, p.His1745= (NM_001129830.3, NM_001129840.2, NM_001129841.2 and 4 more transcripts); c.5319C>T, p.His1773= (NM_001129831.2); c.5295C>T, p.His1765= (NM_001129832.2); c.5292C>T, p.His1764= (NM_001129833.2, NM_001129834.2, NM_001129835.2); c.5286C>T, p.His1762= (NM_001129836.2); and 4 more.
Identifiers: ClinVar variation 190624 (VCV000190624.42), dbSNP rs201861473, ClinGen allele CA301164.

ClinVar aggregate classification (germline): Benign/Likely benign. Review status: criteria provided, multiple submitters, no conflicts (2 of 4 stars). 6 submissions from 6 submitters: Benign (3); Likely benign (2). 1 of the submissions does not count toward it. Last evaluated 2026-07-01.

Conditions:
Cardiovascular phenotype. Identifiers: MedGen CN230736.
CACNA1C-related disorder. Also called: CACNA1C-related disorders; CACNA1C-related condition. Identifiers: MedGen CN381092, MONDO:0700321.
Long QT syndrome (LQTS). Identifiers: MedGen C0023976, MeSH D008133, MONDO:0002442. Disease mechanism: loss of function. Inheritance: Various modes of inheritance.

Allele frequency attached by ClinVar (database versions not stated): gnomAD 0.00008 and 0.00009; TOPMed 0.00014; 1000 Genomes Project 30x 0.00016; ExAC 0.00018; 1000 Genomes Project 0.00020; gnomAD exomes 0.00024.
gnomAD v4.1: 85 of 1,613,726 alleles (0.0053%); highest among the groups gnomAD compares: Admixed American, 0.11%; no homozygotes.

Submissions (6):

CeGaT Center for Human Genetics Tuebingen
Classification: Likely benign. Last evaluated: 2026-07-01. Review status: criteria provided, single submitter. Criteria: CeGaT Center For Human Genetics Tuebingen Variant Classification Criteria Version 2. Collection method: clinical testing. Allele origin: germline. Affected: yes. Observed: 2 variant alleles.
Comment: CACNA1C: BP4, BP7, BS1

Labcorp Genetics (formerly Invitae), Labcorp
Classification: Benign for Long QT syndrome. Last evaluated: 2026-01-10. Review status: criteria provided, single submitter. Criteria: Invitae Variant Classification Sherloc (09022015). Collection method: clinical testing. Allele origin: germline.

Women's Health and Genetics/Laboratory Corporation of America, LabCorp
Classification: Benign. Last evaluated: 2025-01-27. Review status: criteria provided, single submitter. Criteria: LabCorp Variant Classification Summary - May 2015. Collection method: clinical testing. Allele origin: germline.

Ambry Genetics
Classification: Likely benign for Cardiovascular phenotype. Last evaluated: 2017-01-25. Review status: criteria provided, single submitter. Criteria: Ambry Variant Classification Scheme 2023. Collection method: clinical testing. Allele origin: germline.

GeneDx
Classification: Benign. Last evaluated: 2014-09-10. Review status: criteria provided, single submitter. Criteria: GeneDx Variant Classification (06012015). Collection method: clinical testing. Allele origin: germline. Affected: yes.
Comment: This variant is considered likely benign or benign based on one or more of the following criteria: it is a conservative change, it occurs at a poorly conserved position in the protein, it is predicted to be benign by multiple in silico algorithms, and/or has population frequency not consistent with disease.

PreventionGenetics, part of Exact Sciences
Classification: Likely benign for CACNA1C-related condition. Last evaluated: 2019-06-18. Review status: no assertion criteria provided. Collection method: clinical testing. Allele origin: germline. Not counted in ClinVar's aggregate classification.
Comment: This variant is classified as likely benign based on ACMG/AMP sequence variant interpretation guidelines (Richards et al. 2015 PMID: 25741868, with internal and published modifications).